The following is an entry in ClinVar:

NM_005228.5(EGFR):c.1624C>T (p.Leu542=)

Gene: EGFR (epidermal growth factor receptor; plus strand). Cytogenetic location: 7p11.2.
Variant type: single nucleotide variant.
Coding change: c.1624C>T on transcript NM_005228.5 (MANE Select); coding-DNA position 1624, C replaced by T.
Protein change: p.Leu542=; no amino-acid change (leucine 542 retained).
Molecular consequence: synonymous variant.
Genome position (GRCh38, 1-based): chr7:55,161,624, C>T. VCF-style: chr7-55161624-C-T. GRCh37 (hg19) VCF-style: chr7-55229317-C-T.
Other names: c.1489C>T, p.Leu497= (NM_001346897.2, NM_001346899.2); c.1624C>T, p.Leu542= (NM_001346898.2, NM_201282.2, NM_201284.2); c.1465C>T, p.Leu489= (NM_001346900.2); c.823C>T, p.Leu275= (NM_001346941.2); c.1624C>T (NM_005228.3).
Identifiers: ClinVar variation 1576811 (VCV001576811.9), dbSNP rs1388398276, ClinGen allele CA454970660.

ClinVar aggregate classification (germline): Conflicting classifications of pathogenicity. Review status: criteria provided, conflicting classifications (1 of 4 stars). 2 submissions from 2 submitters: Uncertain significance (1); Likely benign (1). Last evaluated 2025-11-23.

Conditions:
Hereditary cancer-predisposing syndrome. Also called: Hereditary Cancer Syndrome; Tumor predisposition; Neoplastic Syndromes, Hereditary; Hereditary neoplastic syndrome. Identifiers: Orphanet 140162, MedGen C0027672, MeSH D009386, MONDO:0015356.
EGFR-related lung cancer (EGFR). Identifiers: MedGen CN130014.

Allele frequency attached by ClinVar (database versions not stated): gnomAD 0.00001 and 0.00002; TOPMed 0.00001.
gnomAD v4.1: 3 of 1,614,140 alleles (0.00019%); highest among the groups gnomAD compares: Non-Finnish European, 0.00025%; no homozygotes.

Submissions (2):

Labcorp Genetics (formerly Invitae), Labcorp
Classification: Likely benign for EGFR-related lung cancer. Last evaluated: 2025-11-23. Review status: criteria provided, single submitter. Criteria: Invitae Variant Classification Sherloc (09022015). Collection method: clinical testing. Allele origin: germline.

Ambry Genetics
Classification: Uncertain significance for Hereditary cancer-predisposing syndrome. Last evaluated: 2025-07-03. Review status: criteria provided, single submitter. Criteria: Ambry Variant Classification Scheme 2023. Collection method: clinical testing. Allele origin: germline.
Comment: The c.1624C>T variant (also known as p.L542L), located in coding exon 13 of the EGFR gene, results from a C to T substitution at nucleotide position 1624. This nucleotide substitution does not change the amino acid at codon 542. This nucleotide position is well conserved in available vertebrate species. In silico splice site analysis for this alteration is inconclusive. Based on the available evidence, the clinical significance of this variant remains unclear.